The following is an entry in ClinVar:

NM_022464.5(SIL1):c.388G>A (p.Asp130Asn)

Gene: SIL1 (SIL1 nucleotide exchange factor; minus strand). Cytogenetic location: 5q31.2.
Variant type: single nucleotide variant.
Coding change: c.388G>A on transcript NM_022464.5 (MANE Select); coding-DNA position 388, G replaced by A.
Protein change: p.Asp130Asn; replaces aspartic acid 130 with asparagine.
Molecular consequence: missense variant.
Genome position (GRCh38, 1-based): chr5:139,042,685, C>T on the plus strand (G>A on the coding strand, the complement: SIL1 is on the minus strand). VCF-style: chr5-139042685-C-T. GRCh37 (hg19) VCF-style: chr5-138378374-C-T.
Other names: c.388G>A (NM_022464.4); c.388G>A, p.Asp130Asn (NM_001037633.2); short protein forms D130N.
Identifiers: ClinVar variation 1993715 (VCV001993715.7), dbSNP rs1436886496, ClinGen allele CA361136224.
Genomic context (GRCh38, chr5:139,042,685, plus strand): 5'-CTTCCTTTGAACTCTCCATCTCTGCCCCCTCCTTGAATTTTGCCAGTGCACTCTTGAGAT[C>T]CTGAGATGTGTAGGTGTTGGTGTTGATATCCAGCCTGTCCAAAGAAAACTGAGAGTAAAG-3'
Protein context (NP_071909.1, residues 120-140): DINTNTYTSQ[Asp130Asn]LKSALAKFKE

ClinVar aggregate classification (germline): Uncertain significance. Review status: criteria provided, multiple submitters, no conflicts (2 of 4 stars). 2 submissions from 2 submitters: Uncertain significance (2). Last evaluated 2022-05-12.

Conditions:
Marinesco-Sjögren syndrome (MSS). Also called: Marinesco-Sjogren Syndrome; Marinesco-SjÃ¶gren syndrome. Identifiers: Orphanet 559, MedGen C0024814, MONDO:0009567, OMIM 248800.

Allele frequency attached by ClinVar (database versions not stated): TOPMed below 0.00001.

Submissions (2):

Labcorp Genetics (formerly Invitae), Labcorp
Classification: Uncertain significance for Marinesco-Sjögren syndrome. Last evaluated: 2022-05-12. Review status: criteria provided, single submitter. Criteria: Invitae Variant Classification Sherloc (09022015). Collection method: clinical testing. Allele origin: germline.
Comment: In summary, the available evidence is currently insufficient to determine the role of this variant in disease. Therefore, it has been classified as a Variant of Uncertain Significance. Algorithms developed to predict the effect of missense changes on protein structure and function are either unavailable or do not agree on the potential impact of this missense change (SIFT: "Tolerated"; PolyPhen-2: "Possibly Damaging"; Align-GVGD: "Class C0"). This variant has not been reported in the literature in individuals affected with SIL1-related conditions. This variant is not present in population databases (gnomAD no frequency). This sequence change replaces aspartic acid, which is acidic and polar, with asparagine, which is neutral and polar, at codon 130 of the SIL1 protein (p.Asp130Asn).

Revvity Omics, Revvity
Classification: Uncertain significance for Marinesco-Sjögren syndrome. Last evaluated: 2019-06-20. Review status: criteria provided, single submitter. Criteria: ACMG Guidelines, 2015. Collection method: clinical testing. Allele origin: germline.